The following is an entry in ClinVar:

NM_012108.4(STAP1):c.498A>C (p.Glu166Asp)

Gene: STAP1 (signal transducing adaptor family member 1; plus strand). Cytogenetic location: 4q13.2.
Variant type: single nucleotide variant.
Coding change: c.498A>C on transcript NM_012108.4 (MANE Select); coding-DNA position 498, A replaced by C.
Protein change: p.Glu166Asp; replaces glutamic acid 166 with aspartic acid.
Molecular consequence: missense variant.
Genome position (GRCh38, 1-based): chr4:67,581,439, A>C. VCF-style: chr4-67581439-A-C. GRCh37 (hg19) VCF-style: chr4-68447157-A-C.
Other names: c.498A>C, p.Glu166Asp (NM_001317769.2); short protein forms E166D.
Identifiers: ClinVar variation 3323082 (VCV003323082.1).

ClinVar aggregate classification (germline): Uncertain significance (1 of 4 stars; one submission).

gnomAD v4.1: 17 of 1,613,682 alleles (0.0011%); highest among the groups gnomAD compares: Non-Finnish European, 0.0014%; no homozygotes.

Submission:

Ambry Genetics
Classification: Uncertain significance. Last evaluated: 2024-06-24. Review status: criteria provided, single submitter. Criteria: Ambry Variant Classification Scheme 2023. Collection method: clinical testing. Allele origin: germline.
Comment: The p.E166D variant (also known as c.498A>C), located in coding exon 5 of the STAP1 gene, results from an A to C substitution at nucleotide position 498. The glutamic acid at codon 166 is replaced by aspartic acid, an amino acid with highly similar properties. This amino acid position is conserved. In addition, this alteration is predicted to be tolerated by in silico analysis. Based on the available evidence, the clinical significance of this variant remains unclear.